The following is an entry in ClinVar:

ClinVar aggregate classification (germline): Likely benign (1 of 4 stars; one submission).

Conditions:
Oligodontia-cancer predisposition syndrome. Also called: TOOTH AGENESIS-COLORECTAL CANCER SYNDROME. Identifiers: Orphanet 300576, MedGen C1837750, MONDO:0012075, OMIM 608615. Disease mechanism: loss of function.

Submission:

Myriad Genetics, Inc.
Classification: Likely benign for Oligodontia-cancer predisposition syndrome. Last evaluated: 2024-06-28. Review status: criteria provided, single submitter. Criteria: Myriad Autosomal Dominant, Autosomal Recessive and X-Linked Classification Criteria (2023). Collection method: clinical testing. Allele origin: unknown.
Comment: This variant is considered likely benign. This variant is intronic and is not expected to impact mRNA splicing.

NM_004655.4(AXIN2):c.956+7_956+8del

Gene: AXIN2 (axin 2; minus strand). Cytogenetic location: 17q24.1.
Variant type: Deletion.
Coding change: c.956+7_956+8del on transcript NM_004655.4 (MANE Select); bases 7 to 8 of the intron after coding-DNA position 956, 2 bases deleted (AT; older notation c.956+7_956+8delAT).
Molecular consequence: intron variant.
Genome position (GRCh38, 1-based): chr17:65,549,512-65,549,513, AT deleted on the plus strand (AT on the coding strand, the reverse complement: AXIN2 is on the minus strand); deleting any 2 consecutive bases within chr17:65,549,512-65,549,514 gives the same sequence; the c. name uses the placement nearest the transcript's 3' end. VCF-style (leftmost placement, unchanged base first): chr17-65549511-GAT-G. GRCh37 (hg19) VCF-style: chr17-63545629-GAT-G.
Other names: c.956+7_956+8del (NM_001363813.1).
Identifiers: ClinVar variation 3254350 (VCV003254350.1), dbSNP rs778908962.